The following is an entry in ClinVar:

ClinVar aggregate classification (germline): Likely benign (0 of 4 stars; one submission).

Conditions:
LMNB2-related disorder. Also called: LMNB2-related condition.

Allele frequency attached by ClinVar (database versions not stated): gnomAD exomes below 0.00001.
gnomAD v4.1: 1 of 1,614,172 alleles (0.000062%); highest among the groups gnomAD compares: South Asian, 0.0011%; no homozygotes.

Submission:

PreventionGenetics, part of Exact Sciences
Classification: Likely benign for LMNB2-related condition. Last evaluated: 2021-05-26. Review status: no assertion criteria provided. Collection method: clinical testing. Allele origin: germline.
Comment: This variant is classified as likely benign based on ACMG/AMP sequence variant interpretation guidelines (Richards et al. 2015 PMID: 25741868, with internal and published modifications).

NM_032737.4(LMNB2):c.1731G>A (p.Val577=)

Gene: LMNB2 (lamin B2; minus strand). Cytogenetic location: 19p13.3.
Variant type: single nucleotide variant.
Coding change: c.1731G>A on transcript NM_032737.4 (MANE Select); coding-DNA position 1731, G replaced by A.
Protein change: p.Val577=; no amino-acid change (valine 577 retained).
Molecular consequence: synonymous variant.
Genome position (GRCh38, 1-based): chr19:2,431,638, C>T on the plus strand (G>A on the coding strand, the complement: LMNB2 is on the minus strand). VCF-style: chr19-2431638-C-T. GRCh37 (hg19) VCF-style: chr19-2431636-C-T.
Identifiers: ClinVar variation 3056931 (VCV003056931.2), dbSNP rs2512232304, ClinGen allele CA504928582.
Genomic context (GRCh38, chr19:2,431,638, plus strand): 5'-CTCGGCTTCCTCCTCCTCTTCCTCCCCATTCTCATTCTCACGCATCACCGAGGACTTCTT[C>T]ACAGTCCTCATGGCCACTTCCTGTGCGGGACAGGACACGGCGGCATGTCCCGGGATCGGG-3'
Protein context (NP_116126.3, residues 567-587): ADGEEVAMRT[Val577=]KKSSVMRENE